The following is an entry in ClinVar:

ClinVar aggregate classification (germline): Pathogenic (1 of 4 stars; one submission).

Conditions:
Charcot-Marie-Tooth disease type 4. Also called: Charcot-Marie-Tooth, Type 4; Charcot-Marie-Tooth disease, type IV. Identifiers: Orphanet 64749, MedGen C4082197, MONDO:0018995.

Allele frequency attached by ClinVar (database versions not stated): gnomAD exomes below 0.00001 and 0.00001; ExAC 0.00002.
gnomAD v4.1: 3 of 1,613,926 alleles (0.00019%); highest among the groups gnomAD compares: Non-Finnish European, 0.00025%; no homozygotes.

Submission:

Labcorp Genetics (formerly Invitae), Labcorp
Classification: Pathogenic for Charcot-Marie-Tooth disease type 4. Last evaluated: 2020-10-05. Review status: criteria provided, single submitter. Criteria: Invitae Variant Classification Sherloc (09022015). Collection method: clinical testing. Allele origin: germline.
Comment: For these reasons, this variant has been classified as Pathogenic. Loss-of-function variants in FGD4 are known to be pathogenic (PMID: 17564972). This variant has not been reported in the literature in individuals with FGD4-related conditions. This variant is present in population databases (rs751404531, ExAC 0.003%). This sequence change creates a premature translational stop signal (p.Trp556*) in the FGD4 gene. It is expected to result in an absent or disrupted protein product.

Literature cited by the submitters: PubMed 17564972.

NM_001370298.3(FGD4):c.2079G>A (p.Trp693Ter)

Gene: FGD4 (FYVE, RhoGEF and PH domain containing 4; plus strand). Cytogenetic location: 12p11.21.
Variant type: single nucleotide variant.
Coding change: c.2079G>A on transcript NM_001370298.3 (MANE Select); coding-DNA position 2079, G replaced by A.
Protein change: p.Trp693Ter; replaces tryptophan 693 with a stop codon.
Molecular consequence: nonsense.
Genome position (GRCh38, 1-based): chr12:32,625,686, G>A. VCF-style: chr12-32625686-G-A. GRCh37 (hg19) VCF-style: chr12-32778620-G-A.
Other names: c.1923G>A, p.Trp641Ter (NM_001304481.2); c.924G>A, p.Trp308Ter (NM_001304483.2); c.636G>A, p.Trp212Ter (NM_001304484.2); c.1389G>A, p.Trp463Ter (NM_001330373.2, NM_001330374.2, NM_001384130.1); c.1116G>A, p.Trp372Ter (NM_001370297.1); c.2079G>A, p.Trp693Ter (NM_001384126.1); c.1668G>A, p.Trp556Ter (NM_001384127.1, NM_001384128.1, NM_001385118.1 and 1 more transcripts); short protein forms W212*, W308*, W372*, W463*, W556*, W641*, W693*.
Identifiers: ClinVar variation 1072959 (VCV001072959.7), dbSNP rs751404531, ClinGen allele CA6506985.